The following is an entry in ClinVar:

ClinVar aggregate classification (germline): Uncertain significance. Review status: criteria provided, multiple submitters, no conflicts (2 of 4 stars). 2 submissions from 2 submitters: Uncertain significance (2). Last evaluated 2024-12-06.

Conditions:
Cardiomyopathy (CMYO). Also called: Cardiomyopathies. Identifiers: Orphanet 167848, MedGen C0878544, MONDO:0004994, HP:0001638. Inheritance: Various modes of inheritance.
Arrhythmogenic cardiomyopathy with wooly hair and keratoderma. Also called: Carvajal syndrome; PALMOPLANTAR KERATODERMA WITH LEFT VENTRICULAR CARDIOMYOPATHY AND WOOLLY HAIR; Dilated cardiomyopathy with woolly hair and keratoderma; Arrhythmogenic cardiomyopathy with woolly hair and keratoderma. Identifiers: Orphanet 65282, MedGen C1854063, MONDO:0011581, OMIM 605676.
Arrhythmogenic right ventricular dysplasia 8 (ARVD8). Also called: ARRHYTHMOGENIC RIGHT VENTRICULAR DYSPLASIA, FAMILIAL, 8; ARRHYTHMOGENIC RIGHT VENTRICULAR CARDIOMYOPATHY 8; Arrhythmogenic Right Ventricular Dysplasia/Cardiomyopathy 8. Identifiers: MedGen C1843896, MONDO:0011831, OMIM 607450.

Allele frequency attached by ClinVar (database versions not stated): TOPMed below 0.00001.

Submissions (2):

Labcorp Genetics (formerly Invitae), Labcorp
Classification: Uncertain significance for Arrhythmogenic cardiomyopathy with wooly hair and keratoderma; Arrhythmogenic right ventricular dysplasia 8. Last evaluated: 2024-12-06. Review status: criteria provided, single submitter. Criteria: Invitae Variant Classification Sherloc (09022015). Collection method: clinical testing. Allele origin: germline.
Comment: This sequence change replaces leucine, which is neutral and non-polar, with valine, which is neutral and non-polar, at codon 1895 of the DSP protein (p.Leu1895Val). This variant is not present in population databases (gnomAD no frequency). This variant has not been reported in the literature in individuals affected with DSP-related conditions. ClinVar contains an entry for this variant (Variation ID: 952754). An algorithm developed to predict the effect of missense changes on protein structure and function (PolyPhen-2) suggests that this variant is likely to be disruptive. In summary, the available evidence is currently insufficient to determine the role of this variant in disease. Therefore, it has been classified as a Variant of Uncertain Significance.

Color Diagnostics, LLC DBA Color Health
Classification: Uncertain significance for Cardiomyopathy. Last evaluated: 2024-03-06. Review status: criteria provided, single submitter. Criteria: ACMG Guidelines, 2015. Collection method: clinical testing. Allele origin: germline.
Comment: This missense variant replaces leucine with valine at codon 1895 of the DSP protein. Computational prediction suggests that this variant may not impact protein structure and function (internally defined REVEL score threshold <= 0.5, PMID: 27666373). To our knowledge, functional studies have not been reported for this variant. This variant has not been reported in individuals affected with cardiovascular disorders in the literature. This variant has not been identified in the general population by the Genome Aggregation Database (gnomAD). The available evidence is insufficient to determine the role of this variant in disease conclusively. Therefore, this variant is classified as a Variant of Uncertain Significance.

NM_004415.4(DSP):c.5683C>G (p.Leu1895Val)

Gene: DSP (desmoplakin; plus strand). Cytogenetic location: 6p24.3.
Variant type: single nucleotide variant.
Coding change: c.5683C>G on transcript NM_004415.4 (MANE Select); coding-DNA position 5683, C replaced by G.
Protein change: p.Leu1895Val; replaces leucine 1895 with valine.
Molecular consequence: missense variant.
Genome position (GRCh38, 1-based): chr6:7,582,945, C>G. VCF-style: chr6-7582945-C-G. GRCh37 (hg19) VCF-style: chr6-7583178-C-G.
Other names: c.3886C>G, p.Leu1296Val (NM_001008844.3); c.4354C>G, p.Leu1452Val (NM_001319034.2); short protein forms L1895V, L1452V, L1296V.
Identifiers: ClinVar variation 952754 (VCV000952754.13), dbSNP rs1159494439, ClinGen allele CA362689181.